The following is an entry in ClinVar:

ClinVar aggregate classification (germline): Uncertain significance (1 of 4 stars; one submission).

Submission:

GeneDx
Classification: Uncertain significance. Last evaluated: 2024-11-08. Review status: criteria provided, single submitter. Criteria: GeneDx Variant Classification Process June 2021. Collection method: clinical testing. Allele origin: germline. Affected: yes.
Comment: Not observed at significant frequency in large population cohorts (gnomAD); Missense variants in this gene are a common cause of disease and they are underrepresented in the general population; In silico analysis indicates that this missense variant does not alter protein structure/function; Has not been previously published as pathogenic or benign to our knowledge; This variant is associated with the following publications: (PMID: 20461396, 26310628)

NM_000530.8(MPZ):c.31A>T (p.Ser11Cys)

Gene: MPZ (myelin protein zero; minus strand). Cytogenetic location: 1q23.3.
Variant type: single nucleotide variant.
Coding change: c.31A>T on transcript NM_000530.8 (MANE Select); coding-DNA position 31, A replaced by T.
Protein change: p.Ser11Cys; replaces serine 11 with cysteine.
Molecular consequence: missense variant.
Genome position (GRCh38, 1-based): chr1:161,309,875, T>A on the plus strand (A>T on the coding strand, the complement: MPZ is on the minus strand). VCF-style: chr1-161309875-T-A. GRCh37 (hg19) VCF-style: chr1-161279665-T-A.
Other names: c.31A>T, p.Ser11Cys (NM_001315491.2); short protein forms S11C.
Identifiers: ClinVar variation 3900359 (VCV003900359.1).